The following is an entry in ClinVar:

NM_020810.3(TRMT5):c.665T>C (p.Ile222Thr)

Gene: TRMT5 (tRNA methyltransferase 5; minus strand). Cytogenetic location: 14q23.1.
Variant type: single nucleotide variant.
Coding change: c.665T>C on transcript NM_020810.3 (MANE Select); coding-DNA position 665, T replaced by C.
Protein change: p.Ile222Thr; replaces isoleucine 222 with threonine.
Molecular consequence: missense variant.
Genome position (GRCh38, 1-based): chr14:60,979,233, A>G on the plus strand (T>C on the coding strand, the complement: TRMT5 is on the minus strand). VCF-style: chr14-60979233-A-G. GRCh37 (hg19) VCF-style: chr14-61445951-A-G.
Other names: TRMT5, ILE222THR (rs766935145); c.749T>C, p.Ile250Thr (NM_001350253.1); c.746T>C, p.Ile249Thr (NM_001350254.1); short protein forms I222T, I249T, I250T.
Identifiers: ClinVar variation 1690312 (VCV001690312.33), dbSNP rs766935145, ClinGen allele CA7213878.
Genomic context (GRCh38, chr14:60,979,233, plus strand): 5'-AAAATTAACAATTTGCAAATTCCCTTCAAATACATGAATATTACTATGACACACGTACCA[A>G]TTAAATGTTTGAAAGGCAGCTGATGATCTCGAAGGTTTAGGTGTGCAATATGTCCAATCC-3'
Protein context (NP_065861.3, residues 212-232): RDHQLPFKHL[Ile222Thr]GQVMIDKNPG

ClinVar aggregate classification (germline): Conflicting classifications of pathogenicity. Review status: criteria provided, conflicting classifications (1 of 4 stars). 3 submissions from 3 submitters: Likely pathogenic (1); Uncertain significance (1). 1 of the submissions does not count toward it. Last evaluated 2023-04-27.

Conditions:
Combined oxidative phosphorylation defect type 26 (PNSED). Also called: Combined oxidative phosphorylation deficiency 26; PERIPHERAL NEUROPATHY WITH VARIABLE SPASTICITY, EXERCISE INTOLERANCE, AND DEVELOPMENTAL DELAY. Identifiers: Orphanet 477684, MedGen C5567741, MONDO:0014684, OMIM 616539.

Allele frequency attached by ClinVar (database versions not stated): gnomAD exomes below 0.00001; TOPMed below 0.00001; ExAC 0.00001.
gnomAD v4.1: 2 of 1,600,370 alleles (0.00012%); highest among the groups gnomAD compares: Non-Finnish European, 0.00017%; no homozygotes.

Submissions (3):

Neurometabolic Diseases Laboratory, Bellvitge Biomedical Research Institute (IDIBELL)
Classification: Likely pathogenic for Combined oxidative phosphorylation defect type 26. Last evaluated: 2023-04-27. Review status: criteria provided, single submitter. Criteria: ACMG Guidelines, 2015. Collection method: research. Allele origin: germline. Affected: yes.

Labcorp Genetics (formerly Invitae), Labcorp
Classification: Uncertain significance. Last evaluated: 2022-04-12. Review status: criteria provided, single submitter. Criteria: Invitae Variant Classification Sherloc (09022015). Collection method: clinical testing. Allele origin: germline.
Comment: Algorithms developed to predict the effect of missense changes on protein structure and function (SIFT, PolyPhen-2, Align-GVGD) all suggest that this variant is likely to be disruptive. In summary, the available evidence is currently insufficient to determine the role of this variant in disease. Therefore, it has been classified as a Variant of Uncertain Significance. This variant has not been reported in the literature in individuals affected with TRMT5-related conditions. This variant is present in population databases (rs766935145, gnomAD 0.0009%). This sequence change replaces isoleucine, which is neutral and non-polar, with threonine, which is neutral and polar, at codon 222 of the TRMT5 protein (p.Ile222Thr).

OMIM
Classification: Pathogenic for PERIPHERAL NEUROPATHY WITH VARIABLE SPASTICITY, EXERCISE INTOLERANCE, AND DEVELOPMENTAL DELAY. Last evaluated: 2022-06-01. Review status: no assertion criteria provided. Collection method: literature only. Allele origin: germline. Not counted in ClinVar's aggregate classification.

Literature cited by the submitters: PubMed 35342985 (cited by OMIM).